The following is an entry in ClinVar:

NM_020533.3(MCOLN1):c.708G>A (p.Arg236=)

Gene: MCOLN1 (mucolipin TRP cation channel 1; plus strand). Cytogenetic location: 19p13.2.
Variant type: single nucleotide variant.
Coding change: c.708G>A on transcript NM_020533.3 (MANE Select); coding-DNA position 708, G replaced by A.
Protein change: p.Arg236=; no amino-acid change (arginine 236 retained).
Molecular consequence: synonymous variant.
Genome position (GRCh38, 1-based): chr19:7,527,891, G>A. VCF-style: chr19-7527891-G-A. GRCh37 (hg19) VCF-style: chr19-7592777-G-A.
Identifiers: ClinVar variation 3052829 (VCV003052829.3), dbSNP rs2512471030, ClinGen allele CA403083895.

ClinVar aggregate classification (germline): Likely benign. Review status: criteria provided, single submitter (1 of 4 stars). 2 submissions from 2 submitters: Likely benign (1). 1 of the submissions does not count toward it. Last evaluated 2026-01-11.

Conditions:
MCOLN1-related disorder. Also called: MCOLN1-related condition.
Mucolipidosis type IV (ML4). Also called: ML IV. Identifiers: Orphanet 578, MedGen C0238286, MONDO:0009653, OMIM 252650.

Allele frequency attached by ClinVar (database versions not stated): gnomAD exomes below 0.00001.
gnomAD v4.1: 2 of 1,614,120 alleles (0.00012%); highest among the groups gnomAD compares: Non-Finnish European, 0.00017%; no homozygotes.

Submissions (2):

Labcorp Genetics (formerly Invitae), Labcorp
Classification: Likely benign for Mucolipidosis type IV. Last evaluated: 2026-01-11. Review status: criteria provided, single submitter. Criteria: Invitae Variant Classification Sherloc (09022015). Collection method: clinical testing. Allele origin: germline.

PreventionGenetics, part of Exact Sciences
Classification: Likely benign for MCOLN1-related condition. Last evaluated: 2019-08-28. Review status: no assertion criteria provided. Collection method: clinical testing. Allele origin: germline. Not counted in ClinVar's aggregate classification.
Comment: This variant is classified as likely benign based on ACMG/AMP sequence variant interpretation guidelines (Richards et al. 2015 PMID: 25741868, with internal and published modifications).